The following is an entry in ClinVar:

NM_000642.3(AGL):c.4123dup (p.Tyr1375fs)

Gene: AGL (amylo-alpha-1,6-glucosidase and 4-alpha-glucanotransferase; plus strand). Cytogenetic location: 1p21.2.
Variant type: Duplication.
Coding change: c.4123dup on transcript NM_000642.3 (MANE Select); coding-DNA position 4123, one base duplicated (T; older notation c.4123dupT).
Protein change: p.Tyr1375fs; shifts the reading frame from tyrosine 1375.
Molecular consequence: frameshift variant.
Genome position (GRCh38, 1-based): chr1:99,913,700, T duplicated. VCF-style (leftmost placement, unchanged base first): chr1-99913699-C-CT. GRCh37 (hg19) VCF-style: chr1-100379255-C-CT.
Other names: c.4123dup, p.Tyr1375fs (NM_000028.3, NM_000643.3, NM_000644.3 and 1 more transcripts); c.4075dup, p.Tyr1359fs (NM_000646.3); c.4102dup, p.Tyr1368fs (NM_001425326.1); c.3922dup, p.Tyr1308fs (NM_001425327.1); c.3919dup, p.Tyr1307fs (NM_001425328.1); c.3784dup, p.Tyr1262fs (NM_001425329.1); c.3745dup, p.Tyr1249fs (NM_001425332.1); short protein forms Y1249fs, Y1262fs, Y1307fs, Y1308fs, Y1359fs, Y1368fs, Y1375fs.
Identifiers: ClinVar variation 5015413 (VCV005015413.1).
Genomic context (GRCh38, chr1:99,913,699, plus strand): 5'-TCTGGTTCACAAACGTGGCATATACAAAGATAGTTATGGAGCTTCAAGTCCTTGGTGTGA[C>CT]TATCAGCTCAGGCCTAATTTTACCATAGCAATGGTTGTGGTAGGTGATTCGTTTGTAAAA-3'

ClinVar aggregate classification (germline): Pathogenic (1 of 4 stars; one submission).

Conditions:
Glycogen storage disease type III (GSD3). Also called: FORBES DISEASE; Cori disease. Identifiers: Orphanet 366, MedGen C0017922, MONDO:0009291, OMIM 232400.

Submission:

Myriad Genetics, Inc.
Classification: Pathogenic for Glycogen storage disease type III. Last evaluated: 2026-01-13. Review status: criteria provided, single submitter. Criteria: Myriad Autosomal Dominant, Autosomal Recessive and X-Linked Classification Criteria (2023). Collection method: clinical testing. Allele origin: unknown.
Comment: NM_000642.2(AGL):c.4123dupT(Y1375Lfs*6) is expected to be pathogenic in the context of glycogen storage disease type III. This variant is predicted to lead to an abnormal or absent protein product due to the creation of a premature termination codon in AGL, a gene where loss-of-function variants are known to be pathogenic. Please note: this variant was assessed in the context of healthy population screening.